The following is an entry in ClinVar:

NM_015294.6(TRIM37):c.1527T>A (p.Tyr509Ter)

Gene: TRIM37 (tripartite motif containing 37; minus strand). Cytogenetic location: 17q22.
Variant type: single nucleotide variant.
Coding change: c.1527T>A on transcript NM_015294.6 (MANE Select); coding-DNA position 1527, T replaced by A.
Protein change: p.Tyr509Ter; replaces tyrosine 509 with a stop codon.
Molecular consequence: nonsense. On other transcripts: non-coding transcript variant (2).
Genome position (GRCh38, 1-based): chr17:59,049,181, A>T on the plus strand (T>A on the coding strand, the complement: TRIM37 is on the minus strand). VCF-style: chr17-59049181-A-T. GRCh37 (hg19) VCF-style: chr17-57126542-A-T.
Other names: c.1527T>A, p.Tyr509Ter (NM_001005207.5, NM_001320988.3, NM_001320989.3 and 1 more transcripts); c.1425T>A, p.Tyr475Ter (NM_001320987.3, NM_001353082.2); c.1161T>A, p.Tyr387Ter (NM_001320990.3); c.792T>A, p.Tyr264Ter (NM_001353083.2); c.1065T>A, p.Tyr355Ter (NM_001353085.2); c.1476T>A, p.Tyr492Ter (NM_001353086.2); short protein forms Y475*, Y492*, Y387*, Y264*, Y355*, Y509*.
Identifiers: ClinVar variation 2829454 (VCV002829454.3), dbSNP rs2545600554, ClinGen allele CA400400438.

ClinVar aggregate classification (germline): Pathogenic (1 of 4 stars; one submission).

Submission:

Labcorp Genetics (formerly Invitae), Labcorp
Classification: Pathogenic. Last evaluated: 2023-01-17. Review status: criteria provided, single submitter. Criteria: Invitae Variant Classification Sherloc (09022015). Collection method: clinical testing. Allele origin: germline.
Comment: This variant has not been reported in the literature in individuals affected with TRIM37-related conditions. For these reasons, this variant has been classified as Pathogenic. This variant is not present in population databases (gnomAD no frequency). This sequence change creates a premature translational stop signal (p.Tyr509*) in the TRIM37 gene. It is expected to result in an absent or disrupted protein product. Loss-of-function variants in TRIM37 are known to be pathogenic (PMID: 10888877, 15108285).

Literature cited by the submitters: PubMed 10888877; PubMed 15108285.